The following is an entry in ClinVar:

NM_015599.3(PGM3):c.563_564del (p.Leu187_Ser188insTer)

Gene: PGM3 (phosphoglucomutase 3; minus strand). Cytogenetic location: 6q14.1.
Variant type: Microsatellite.
Coding change: c.563_564del on transcript NM_015599.3 (MANE Select); coding-DNA positions 563 to 564, 2 bases deleted (CT; older notation c.563_564delCT).
Protein change: p.Leu187_Ser188insTer.
Molecular consequence: nonsense. On other transcripts: non-coding transcript variant (1).
Genome position (GRCh38, 1-based): chr6:83,182,872-83,182,873, AG deleted on the plus strand (CT on the coding strand, the reverse complement: PGM3 is on the minus strand); deleting any 2 consecutive bases within chr6:83,182,872-83,182,877 gives the same sequence; the c. name uses the placement nearest the transcript's 3' end. VCF-style (leftmost placement, unchanged base first): chr6-83182871-TAG-T. GRCh37 (hg19) VCF-style: chr6-83892590-TAG-T.
Other names: c.647_648del, p.Leu215_Ser216insTer (NM_001199917.2, NM_001367287.1); c.320_321del, p.Leu106_Ser107insTer (NM_001199918.2); c.563_564del, p.Leu187_Ser188insTer (NM_001199919.2, NM_001367286.1).
Identifiers: ClinVar variation 2905265 (VCV002905265.3), dbSNP rs2538151189, ClinGen allele CA2679533627.

ClinVar aggregate classification (germline): Pathogenic (1 of 4 stars; one submission).

Conditions:
Immunodeficiency 23 (IMD23). Also called: IMMUNODEFICIENCY WITH HYPER IgE AND COGNITIVE IMPAIRMENT; IMMUNODEFICIENCY-VASCULITIS-MYOCLONUS SYNDROME. Identifiers: Orphanet 443811, MedGen C4014371, MONDO:0014353, OMIM 615816.

Submission:

Labcorp Genetics (formerly Invitae), Labcorp
Classification: Pathogenic for Immunodeficiency 23. Last evaluated: 2023-08-28. Review status: criteria provided, single submitter. Criteria: Invitae Variant Classification Sherloc (09022015). Collection method: clinical testing. Allele origin: germline.
Comment: This variant has not been reported in the literature in individuals affected with PGM3-related conditions. For these reasons, this variant has been classified as Pathogenic. This variant is not present in population databases (gnomAD no frequency). This sequence change creates a premature translational stop signal (p.Ser216*) in the PGM3 gene. It is expected to result in an absent or disrupted protein product. Loss-of-function variants in PGM3 are known to be pathogenic (PMID: 17548465, 24589341, 24931394).

Literature cited by the submitters: PubMed 17548465; PubMed 24589341; PubMed 24931394.